The following is an entry in ClinVar:

ClinVar aggregate classification (germline): Pathogenic (1 of 4 stars; one submission).

Conditions:
Hereditary nonpolyposis colorectal neoplasms. Identifiers: MedGen C0009405, MeSH D003123.

Submission:

Labcorp Genetics (formerly Invitae), Labcorp
Classification: Pathogenic for Hereditary nonpolyposis colorectal neoplasms. Last evaluated: 2024-01-21. Review status: criteria provided, single submitter. Criteria: Invitae Variant Classification Sherloc (09022015). Collection method: clinical testing. Allele origin: unknown.
Comment: This variant is a gross deletion of the genomic region encompassing exon(s) 2-4 of the MSH6 gene. This deletion is out-of-frame, and is expected to create a premature termination codon and result in an absent or disrupted protein product. Loss-of-function variants in MSH6 are known to be pathogenic (PMID: 18269114, 24362816). This variant has not been reported in the literature in individuals affected with MSH6-related conditions. For these reasons, this variant has been classified as Pathogenic.

Literature cited by the submitters: PubMed 18269114; PubMed 24362816.

NC_000002.11:g.(?_48018046)_(48028314_?)del

Gene: MSH6 (mutS homolog 6; plus strand). Cytogenetic location: 2p16.3.
Variant type: Deletion.
Identifiers: ClinVar variation 3247073 (VCV003247073.1).